The following is an entry in ClinVar:

NM_002948.5(RPL15):c.506G>T (p.Arg169Leu)

Genes: NKIRAS1 (NFKB inhibitor interacting Ras like 1; minus strand), RPL15 (ribosomal protein L15; plus strand). Cytogenetic location: 3p24.2.
Variant type: single nucleotide variant.
Coding change: c.506G>T on transcript NM_002948.5 (MANE Select); coding-DNA position 506, G replaced by T.
Protein change: p.Arg169Leu; replaces arginine 169 with leucine.
Molecular consequence: missense variant. On other transcripts: intron variant (2).
Genome position (GRCh38, 1-based): chr3:23,919,392, G>T. VCF-style: chr3-23919392-G-T. GRCh37 (hg19) VCF-style: chr3-23960883-G-T.
Other names: c.506G>T, p.Arg169Leu (NM_001253380.2, NM_001253382.2, NM_001253383.3 and 1 more transcripts); c.-139-7942C>A (NM_001377380.1); c.360+146G>T (NM_001253384.2); short protein forms R169L.
Identifiers: ClinVar variation 2428249 (VCV002428249.4), dbSNP rs769387719, ClinGen allele CA351882559.

ClinVar aggregate classification (germline): Uncertain significance (1 of 4 stars; one submission).

gnomAD v4.1: 6 of 1,602,968 alleles (0.00037%); highest among the groups gnomAD compares: East Asian, 0.0089%; no homozygotes.

Submission:

Labcorp Genetics (formerly Invitae), Labcorp
Classification: Uncertain significance. Last evaluated: 2023-07-25. Review status: criteria provided, single submitter. Criteria: Invitae Variant Classification Sherloc (09022015). Collection method: clinical testing. Allele origin: germline.
Comment: In summary, the available evidence is currently insufficient to determine the role of this variant in disease. Therefore, it has been classified as a Variant of Uncertain Significance. An algorithm developed to predict the effect of missense changes on protein structure and function (PolyPhen-2) suggests that this variant is likely to be tolerated. This sequence change replaces arginine, which is basic and polar, with leucine, which is neutral and non-polar, at codon 169 of the RPL15 protein (p.Arg169Leu). This variant is not present in population databases (gnomAD no frequency). This variant has not been reported in the literature in individuals affected with RPL15-related conditions. ClinVar contains an entry for this variant (Variation ID: 2428249).